The following is an entry in ClinVar:

NM_005633.4(SOS1):c.703A>G (p.Lys235Glu)

Gene: SOS1 (SOS Ras/Rac guanine nucleotide exchange factor 1; minus strand). Cytogenetic location: 2p22.1.
Variant type: single nucleotide variant.
Coding change: c.703A>G on transcript NM_005633.4 (MANE Select); coding-DNA position 703, A replaced by G.
Protein change: p.Lys235Glu; replaces lysine 235 with glutamic acid.
Molecular consequence: missense variant.
Genome position (GRCh38, 1-based): chr2:39,054,631, T>C on the plus strand (A>G on the coding strand, the complement: SOS1 is on the minus strand). VCF-style: chr2-39054631-T-C. GRCh37 (hg19) VCF-style: chr2-39281772-T-C.
Other names: c.682A>G, p.Lys228Glu (NM_001382394.1); c.703A>G, p.Lys235Glu (NM_001382395.1); short protein forms K235E, K228E.
Identifiers: ClinVar variation 5030019 (VCV005030019.1).
Genomic context (GRCh38, chr2:39,054,631, plus strand): 5'-TCACAACACATTCAATGAGAGGCATATATACAATGATACTTACATTAGCTGAAAACAATT[T>C]TGAATTGGAGACAAAGGGCTCTCTAAAAACTTTTATAATTAGATTTAGTTCCCTTATATA-3'
Protein context (NP_005624.2, residues 225-245): VFREPFVSNS[Lys235Glu]LFSANDVENI

ClinVar aggregate classification (germline): Uncertain significance (1 of 4 stars; one submission).

Conditions:
Cardiovascular phenotype. Identifiers: MedGen CN230736.

gnomAD v4.1: 1 of 1,569,186 alleles (0.000064%); highest among the groups gnomAD compares: Non-Finnish European, 0.000088%; no homozygotes.

Submission:

Ambry Genetics
Classification: Uncertain significance for Cardiovascular phenotype. Last evaluated: 2026-08-29. Review status: criteria provided, single submitter. Criteria: Ambry Variant Classification Scheme 2023. Collection method: clinical testing. Allele origin: germline.
Comment: The p.K235E variant (also known as c.703A>G), located in coding exon 5 of the SOS1 gene, results from an A to G substitution at nucleotide position 703. The lysine at codon 235 is replaced by glutamic acid, an amino acid with similar properties. This amino acid position is conserved. In addition, the in silico prediction for this alteration is inconclusive. Based on the available evidence, the clinical significance of this variant remains unclear.